The following is an entry in ClinVar:

ClinVar aggregate classification (germline): Uncertain significance. Review status: criteria provided, multiple submitters, no conflicts (2 of 4 stars). 5 submissions from 4 submitters: Uncertain significance (5). Last evaluated 2024-04-17.

Conditions:
Leigh syndrome (NULS). Also called: Leigh Disease; Subacute necrotizing encephalopathy; Leigh Syndrome (mtDNA deletion); Leigh's syndrome; Leigh's necrotizing encephalopathy; Leigh's disease. Identifiers: Orphanet 506, MedGen C2931891, MONDO:0009723, OMIM 256000.
Mitochondrial complex I deficiency, nuclear type 1. Also called: NADH-COENZYME Q REDUCTASE DEFICIENCY; MITOCHONDRIAL NADH DEHYDROGENASE COMPONENT OF COMPLEX I, DEFICIENCY OF. Identifiers: MedGen C6022305, MONDO:0100224, OMIM 252010.
Inborn genetic diseases. Identifiers: MedGen C0950123, MeSH D030342.

Allele frequency attached by ClinVar (database versions not stated): ExAC 0.00002; gnomAD 0.00003 and 0.00005; gnomAD exomes 0.00003 and 0.00004; TOPMed 0.00003.
gnomAD v4.1: 47 of 1,613,992 alleles (0.0029%); highest among the groups gnomAD compares: East Asian, 0.1%; no homozygotes.

Submissions (5):

GeneDx
Classification: Uncertain significance. Last evaluated: 2024-04-17. Review status: criteria provided, single submitter. Criteria: GeneDx Variant Classification Process June 2021. Collection method: clinical testing. Allele origin: germline. Affected: yes.
Comment: In silico analysis indicates that this missense variant does not alter protein structure/function; Has not been previously published as pathogenic or benign to our knowledge

Ambry Genetics
Classification: Uncertain significance for Inborn genetic diseases. Last evaluated: 2024-02-05. Review status: criteria provided, single submitter. Criteria: Ambry Variant Classification Scheme 2023. Collection method: clinical testing. Allele origin: germline.

Labcorp Genetics (formerly Invitae), Labcorp
Classification: Uncertain significance. Last evaluated: 2022-07-12. Review status: criteria provided, single submitter. Criteria: Invitae Variant Classification Sherloc (09022015). Collection method: clinical testing. Allele origin: germline.
Comment: ClinVar contains an entry for this variant (Variation ID: 899080). This variant has not been reported in the literature in individuals affected with NDUFS1-related conditions. This variant is present in population databases (rs774332882, gnomAD 0.06%). This sequence change replaces threonine, which is neutral and polar, with alanine, which is neutral and non-polar, at codon 24 of the NDUFS1 protein (p.Thr24Ala). In summary, the available evidence is currently insufficient to determine the role of this variant in disease. Therefore, it has been classified as a Variant of Uncertain Significance. Algorithms developed to predict the effect of missense changes on protein structure and function (SIFT, PolyPhen-2, Align-GVGD) all suggest that this variant is likely to be tolerated.

Illumina Laboratory Services, Illumina
Classification: Uncertain significance for Mitochondrial complex I deficiency, nuclear type 1. Last evaluated: 2018-01-12. Review status: criteria provided, single submitter. Criteria: ICSL Variant Classification Criteria 13 December 2019. Collection method: clinical testing. Allele origin: germline.

Illumina Laboratory Services, Illumina
Classification: Uncertain significance for Leigh syndrome. Last evaluated: 2018-01-12. Review status: criteria provided, single submitter. Criteria: ICSL Variant Classification Criteria 13 December 2019. Collection method: clinical testing. Allele origin: germline.

NM_005006.7(NDUFS1):c.70A>G (p.Thr24Ala)

Gene: NDUFS1 (NADH:ubiquinone oxidoreductase core subunit S1; minus strand). Cytogenetic location: 2q33.3.
Variant type: single nucleotide variant.
Coding change: c.70A>G on transcript NM_005006.7 (MANE Select); coding-DNA position 70, A replaced by G.
Protein change: p.Thr24Ala; replaces threonine 24 with alanine.
Molecular consequence: missense variant. On other transcripts: intron variant (2).
Genome position (GRCh38, 1-based): chr2:206,152,502, T>C on the plus strand (A>G on the coding strand, the complement: NDUFS1 is on the minus strand). VCF-style: chr2-206152502-T-C. GRCh37 (hg19) VCF-style: chr2-207017226-T-C.
Other names: c.70A>G (NM_005006.5); c.70A>G, p.Thr24Ala (NM_001199981.2); c.112A>G, p.Thr38Ala (NM_001199984.2); c.5+1116A>G (NM_001199982.2); c.-19+1116A>G (NM_001199983.2); short protein forms T24A, T38A.
Identifiers: ClinVar variation 899080 (VCV000899080.8), dbSNP rs774332882, ClinGen allele CA2070908.